The following is an entry in ClinVar:

NC_000008.10:g.(94807736_94808128)_(94809699_94811845)del

Gene: TMEM67 (transmembrane protein 67; plus strand). Cytogenetic location: 8q22.1.
Variant type: Deletion.
Identifiers: ClinVar variation 2581499 (VCV002581499.1).

ClinVar aggregate classification (germline): Likely pathogenic (1 of 4 stars; one submission).

Conditions:
Joubert syndrome 6 (JBTS6). Identifiers: Orphanet 475, MedGen C1853153, MONDO:0012539, OMIM 610688.

Submission:

Women's Health and Genetics/Laboratory Corporation of America, LabCorp
Classification: Likely pathogenic for Joubert syndrome 6. Last evaluated: 2023-08-04. Review status: criteria provided, single submitter. Criteria: LabCorp Variant Classification Summary - May 2015. Collection method: clinical testing. Allele origin: germline.
Comment: Variant summary: The variant identified by MLPA or other technology involves the deletion of exons 18-20 in the TMEM67 gene. A presumed nomenclature of c.(1773+1_1774-1)_(2100+1_2101-1)del has been designated for the purposes of this classification. Although exact breakpoints of this deletion are not known, it is expected to result in a large in-frame deletion in the TMEM67 gene, and several missense variants within this region have been reported in association with Joubert syndrome (HGMD), and classified as pathogenic in ClinVar. The variant was absent in 21694 control chromosomes (gnomAD Structural Variants dataset). To our knowledge, no occurrence of c.(1773+1_1774-1)_(2100+1_2101-1)del in individuals affected with Joubert Syndrome 6 and no experimental evidence demonstrating its impact on protein function have been reported. No submitters have cited clinical-significance assessments for this variant to ClinVar after 2014. Based on the evidence outlined above, the variant was classified as likely pathogenic.